The following is an entry in ClinVar:

NM_014585.6(SLC40A1):c.521A>G (p.Asn174Ser)

Gene: SLC40A1 (solute carrier family 40 member 1; minus strand). Cytogenetic location: 2q32.2.
Variant type: single nucleotide variant.
Coding change: c.521A>G on transcript NM_014585.6 (MANE Select); coding-DNA position 521, A replaced by G.
Protein change: p.Asn174Ser; replaces asparagine 174 with serine.
Molecular consequence: missense variant.
Genome position (GRCh38, 1-based): chr2:189,565,593, T>C on the plus strand (A>G on the coding strand, the complement: SLC40A1 is on the minus strand). VCF-style: chr2-189565593-T-C. GRCh37 (hg19) VCF-style: chr2-190430319-T-C.
Other names: short protein forms N174S.
Identifiers: ClinVar variation 936984 (VCV000936984.9), dbSNP rs1397119020, ClinGen allele CA349989010.

ClinVar aggregate classification (germline): Uncertain significance (1 of 4 stars; one submission).

Conditions:
Hemochromatosis type 4 (HFE4). Also called: Ferroportin disease; HEMOCHROMATOSIS DUE TO DEFECT IN FERROPORTIN; HEMOCHROMATOSIS, AUTOSOMAL DOMINANT. Identifiers: Orphanet 139491, Orphanet 647834, Orphanet 648562, MedGen C1853733, MONDO:0011631, OMIM 606069.

Submission:

Labcorp Genetics (formerly Invitae), Labcorp
Classification: Uncertain significance for Hemochromatosis type 4. Last evaluated: 2025-09-19. Review status: criteria provided, single submitter. Criteria: Invitae Variant Classification Sherloc (09022015). Collection method: clinical testing. Allele origin: germline.
Comment: This sequence change replaces asparagine, which is neutral and polar, with serine, which is neutral and polar, at codon 174 of the SLC40A1 protein (p.Asn174Ser). This variant is not present in population databases (gnomAD no frequency). This variant has not been reported in the literature in individuals affected with SLC40A1-related conditions. ClinVar contains an entry for this variant (Variation ID: 936984). Invitae Evidence Modeling of protein sequence and biophysical properties (such as structural, functional, and spatial information, amino acid conservation, physicochemical variation, residue mobility, and thermodynamic stability) has been performed for this missense variant. However, the output from this modeling did not meet the statistical confidence thresholds required to predict the impact of this variant on SLC40A1 protein function. In summary, the available evidence is currently insufficient to determine the role of this variant in disease. Therefore, it has been classified as a Variant of Uncertain Significance.